The following is an entry in ClinVar:

ClinVar aggregate classification (germline): Benign (1 of 4 stars; one submission).

Allele frequency attached by ClinVar (database versions not stated): 1000 Genomes Project 0.20747; 1000 Genomes Project 30x 0.21049; gnomAD 0.22879 and 0.23247; TOPMed 0.23678.
gnomAD v4.1: 34,877 of 152,084 alleles (23%); highest among the groups gnomAD compares: Middle Eastern, 34%; 4,145 homozygotes.

Submission:

GeneDx
Classification: Benign. Last evaluated: 2018-06-14. Review status: criteria provided, single submitter. Criteria: GeneDx Variant Classification (06012015). Collection method: clinical testing. Allele origin: germline. Affected: yes.
Comment: This variant is considered likely benign or benign based on one or more of the following criteria: it is a conservative change, it occurs at a poorly conserved position in the protein, it is predicted to be benign by multiple in silico algorithms, and/or has population frequency not consistent with disease.

NM_020822.3(KCNT1):c.1036-207C>T

Gene: KCNT1 (potassium sodium-activated channel subfamily T member 1; plus strand). Cytogenetic location: 9q34.3.
Variant type: single nucleotide variant.
Coding change: c.1036-207C>T on transcript NM_020822.3 (MANE Select); 207 bases into the intron before coding-DNA position 1036, C replaced by T.
Molecular consequence: intron variant.
Genome position (GRCh38, 1-based): chr9:135,764,824, C>T. VCF-style: chr9-135764824-C-T. GRCh37 (hg19) VCF-style: chr9-138656670-C-T.
Other names: c.901-207C>T (NM_001272003.2).
Identifiers: ClinVar variation 682096 (VCV000682096.1), dbSNP rs56092954, ClinGen allele CA13003880.
Genomic context (GRCh38, chr9:135,764,824, plus strand): 5'-CGGTTTACTCCACAGTCTCCAGCCGCCCCTCCTCCCTTGGTCCCCACACATCCTGCCAGC[C>T]GGGCCTGCGTCCTGCTCTGTGTCATCTGAGGCTATCAGCATCTACAGTTTCCATGTGGGA-3'